The following is an entry in ClinVar:

NM_203486.3(DLL3):c.1056G>T (p.Lys352Asn)

Gene: DLL3 (delta like canonical Notch ligand 3; plus strand). Cytogenetic location: 19q13.2.
Variant type: single nucleotide variant.
Coding change: c.1056G>T on transcript NM_203486.3 (MANE Select); coding-DNA position 1056, G replaced by T.
Protein change: p.Lys352Asn; replaces lysine 352 with asparagine.
Molecular consequence: missense variant.
Genome position (GRCh38, 1-based): chr19:39,505,414, G>T. VCF-style: chr19-39505414-G-T. GRCh37 (hg19) VCF-style: chr19-39996054-G-T.
Other names: c.1056G>T, p.Lys352Asn (NM_016941.4); c.1056G>T (NM_016941.3); short protein forms K352N.
Identifiers: ClinVar variation 1390694 (VCV001390694.5), dbSNP rs376526613, ClinGen allele CA9432340.

ClinVar aggregate classification (germline): Uncertain significance. Review status: criteria provided, multiple submitters, no conflicts (2 of 4 stars). 3 submissions from 3 submitters: Uncertain significance (3). Last evaluated 2024-10-01.

Conditions:
Inborn genetic diseases. Identifiers: MedGen C0950123, MeSH D030342.
Spondylocostal dysostosis 1, autosomal recessive (SCDO1). Also called: DLL3-Related Spondylocostal Dysostosis, Autosomal Recessive. Identifiers: Orphanet 2311, MedGen CN032975, MONDO:0020692, OMIM 277300.

Allele frequency attached by ClinVar (database versions not stated): gnomAD exomes 0.00004 and 0.00010; ExAC 0.00006; gnomAD 0.00006 and 0.00007; ESP Exome Variant Server 0.00023.
gnomAD v4.1: 145 of 1,613,990 alleles (0.009%); highest among the groups gnomAD compares: Non-Finnish European, 0.012%; 1 homozygote.

Submissions (3):

Ambry Genetics
Classification: Uncertain significance for Inborn genetic diseases. Last evaluated: 2024-10-01. Review status: criteria provided, single submitter. Criteria: Ambry Variant Classification Scheme 2023. Collection method: clinical testing. Allele origin: germline.

ARUP Laboratories, Molecular Genetics and Genomics, ARUP Laboratories
Classification: Uncertain significance for Spondylocostal dysostosis 1, autosomal recessive. Last evaluated: 2023-09-06. Review status: criteria provided, single submitter. Criteria: ARUP Molecular Germline Variant Investigation Process 2024. Collection method: clinical testing. Allele origin: germline.
Comment: The DLL3 c.1056G>T; p.Lys352Asn variant (rs376526613), to our knowledge, is not reported in the medical literature but is reported in ClinVar (Variation ID: 1390694). This variant is observed in the general population with an overall allele frequency of 0.004% (12/282728 alleles) in the Genome Aggregation Database. Computational analyses are uncertain whether this variant is neutral or deleterious (REVEL: 0.461). Due to limited information, the clinical significance of this variant is uncertain at this time.

Labcorp Genetics (formerly Invitae), Labcorp
Classification: Uncertain significance. Last evaluated: 2022-08-15. Review status: criteria provided, single submitter. Criteria: Invitae Variant Classification Sherloc (09022015). Collection method: clinical testing. Allele origin: germline.
Comment: This sequence change replaces lysine, which is basic and polar, with asparagine, which is neutral and polar, at codon 352 of the DLL3 protein (p.Lys352Asn). This variant is present in population databases (rs376526613, gnomAD 0.008%). This variant has not been reported in the literature in individuals affected with DLL3-related conditions. ClinVar contains an entry for this variant (Variation ID: 1390694). Algorithms developed to predict the effect of missense changes on protein structure and function are either unavailable or do not agree on the potential impact of this missense change (SIFT: "Deleterious"; PolyPhen-2: "Possibly Damaging"; Align-GVGD: "Class C0"). In summary, the available evidence is currently insufficient to determine the role of this variant in disease. Therefore, it has been classified as a Variant of Uncertain Significance.